The following is an entry in ClinVar:

ClinVar aggregate classification (germline): Likely benign (0 of 4 stars; one submission).

Conditions:
SIX2-related disorder. Also called: SIX2-related condition.

Allele frequency attached by ClinVar (database versions not stated): gnomAD exomes below 0.00001; TOPMed below 0.00001; ExAC 0.00001.
gnomAD v4.1: 9 of 1,614,116 alleles (0.00056%); highest among the groups gnomAD compares: Admixed American, 0.0033%; no homozygotes.

Submission:

PreventionGenetics, part of Exact Sciences
Classification: Likely benign for SIX2-related condition. Last evaluated: 2022-12-08. Review status: no assertion criteria provided. Collection method: clinical testing. Allele origin: germline.
Comment: This variant is classified as likely benign based on ACMG/AMP sequence variant interpretation guidelines (Richards et al. 2015 PMID: 25741868, with internal and published modifications).

NM_016932.5(SIX2):c.*6A>G

Gene: SIX2 (SIX homeobox 2; minus strand). Cytogenetic location: 2p21.
Variant type: single nucleotide variant.
Coding change: c.*6A>G on transcript NM_016932.5 (MANE Select); 6 bases downstream of the stop codon, A replaced by G.
Molecular consequence: 3 prime UTR variant.
Genome position (GRCh38, 1-based): chr2:45,006,164, T>C on the plus strand (A>G on the coding strand, the complement: SIX2 is on the minus strand). VCF-style: chr2-45006164-T-C. GRCh37 (hg19) VCF-style: chr2-45233303-T-C.
Identifiers: ClinVar variation 3032849 (VCV003032849.2), dbSNP rs775188449, ClinGen allele CA1642441.
Genomic context (GRCh38, chr2:45,006,164, plus strand): 5'-GGACACCGCCACTCCACGTCCCCAGTGTCAAGTCACAAAAGGCAAGCTCATCAAGGCAAA[T>C]GGGTTCTAGGAGCCCAGGTCCACGAGGTTGGCTGACATGGGGTTGAGGATGGAGTCCTGC-3'